The following is an entry in ClinVar:

ClinVar aggregate classification (germline): Likely benign (1 of 4 stars; one submission).

Conditions:
Familial cancer of breast. Also called: BREAST CANCER, FAMILIAL; Hereditary breast cancer; hereditary breast carcinoma. Identifiers: Orphanet 227535, MedGen C0346153, MONDO:0016419, OMIM 114480. Disease mechanism: loss of function.

Submission:

Myriad Genetics, Inc.
Classification: Likely benign for Familial cancer of breast. Last evaluated: 2024-04-24. Review status: criteria provided, single submitter. Criteria: Myriad Autosomal Dominant, Autosomal Recessive and X-Linked Classification Criteria (2023). Collection method: clinical testing. Allele origin: unknown.
Comment: This variant is considered likely benign. This variant is intronic and is not expected to impact mRNA splicing.

NM_000051.4(ATM):c.902-7A>T

Gene: ATM (ATM serine/threonine kinase; plus strand). Cytogenetic location: 11q22.3.
Variant type: single nucleotide variant.
Coding change: c.902-7A>T on transcript NM_000051.4 (MANE Select); 7 bases into the intron before coding-DNA position 902, A replaced by T.
Molecular consequence: intron variant.
Genome position (GRCh38, 1-based): chr11:108,246,957, A>T. VCF-style: chr11-108246957-A-T. GRCh37 (hg19) VCF-style: chr11-108117684-A-T.
Other names: c.902-7A>T (NM_001351834.2).
Identifiers: ClinVar variation 3254241 (VCV003254241.1), dbSNP rs2135264458.